The following is an entry in ClinVar:

ClinVar aggregate classification (germline): Uncertain significance (1 of 4 stars; one submission).

Conditions:
Primary dilated cardiomyopathy (DCM). Also called: Dilated Cardiomyopathy. Identifiers: Orphanet 217604, MedGen C0007193, MeSH D002311, MONDO:0005021, HP:0001644. Inheritance: Various modes of inheritance.
Hypertrophic cardiomyopathy. Also called: HYPERTROPHIC MYOCARDIOPATHY. Identifiers: Orphanet 217569, MedGen C0007194, MeSH D002312, MONDO:0005045, HP:0001639.

gnomAD v4.1: 26 of 1,609,164 alleles (0.0016%); highest among the groups gnomAD compares: African/African-American, 0.011%; no homozygotes.

Submission:

Labcorp Genetics (formerly Invitae), Labcorp
Classification: Uncertain significance for Hypertrophic cardiomyopathy; Primary dilated cardiomyopathy. Last evaluated: 2024-04-29. Review status: criteria provided, single submitter. Criteria: Invitae Variant Classification Sherloc (09022015). Collection method: clinical testing. Allele origin: germline.
Comment: This sequence change replaces valine, which is neutral and non-polar, with methionine, which is neutral and non-polar, at codon 233 of the PDLIM3 protein (p.Val233Met). The frequency data for this variant in the population databases is considered unreliable, as metrics indicate poor data quality at this position in the gnomAD database. This variant has not been reported in the literature in individuals affected with PDLIM3-related conditions. ClinVar contains an entry for this variant (Variation ID: 971231). Advanced modeling of protein sequence and biophysical properties (such as structural, functional, and spatial information, amino acid conservation, physicochemical variation, residue mobility, and thermodynamic stability) performed at Invitae indicates that this missense variant is expected to disrupt PDLIM3 protein function with a positive predictive value of 80%. In summary, the available evidence is currently insufficient to determine the role of this variant in disease. Therefore, it has been classified as a Variant of Uncertain Significance.

NM_014476.6(PDLIM3):c.697G>A (p.Val233Met)

Gene: PDLIM3 (PDZ and LIM domain 3; minus strand). Cytogenetic location: 4q35.1.
Variant type: single nucleotide variant.
Coding change: c.697G>A on transcript NM_014476.6 (MANE Select); coding-DNA position 697, G replaced by A.
Protein change: p.Val233Met; replaces valine 233 with methionine.
Molecular consequence: missense variant. On other transcripts: non-coding transcript variant (1).
Genome position (GRCh38, 1-based): chr4:185,506,618, C>T on the plus strand (G>A on the coding strand, the complement: PDLIM3 is on the minus strand). VCF-style: chr4-185506618-C-T. GRCh37 (hg19) VCF-style: chr4-186427772-C-T.
Other names: c.553G>A, p.Val185Met (NM_001114107.5); c.433G>A, p.Val145Met (NM_001257962.2); c.196G>A, p.Val66Met (NM_001257963.2); short protein forms V233M, V185M, V66M, V145M.
Identifiers: ClinVar variation 971231 (VCV000971231.10), dbSNP rs143121072, ClinGen allele CA3159721.